The following is an entry in ClinVar:

ClinVar aggregate classification (germline): Uncertain significance (1 of 4 stars; one submission).

Conditions:
Alternating hemiplegia of childhood 1 (AHC1). Identifiers: Orphanet 2131, MedGen C3549447, MONDO:0007087, OMIM 104290.

Submission:

Laboratorio de Genetica e Diagnostico Molecular, Hospital Israelita Albert Einstein
Classification: Uncertain significance for Alternating hemiplegia of childhood 1. Last evaluated: 2022-09-05. Review status: criteria provided, single submitter. Criteria: ACMG Guidelines, 2015. Collection method: clinical testing. Allele origin: germline. Affected: yes.
Comment: ACMG classification criteria: PM2 moderated, PP2 supporting, PP3 supporting

NM_000702.4(ATP1A2):c.1010C>T (p.Thr337Ile)

Gene: ATP1A2 (ATPase Na+/K+ transporting subunit alpha 2; plus strand). Cytogenetic location: 1q23.2.
Variant type: single nucleotide variant.
Coding change: c.1010C>T on transcript NM_000702.4 (MANE Select); coding-DNA position 1010, C replaced by T.
Protein change: p.Thr337Ile; replaces threonine 337 with isoleucine.
Molecular consequence: missense variant.
Genome position (GRCh38, 1-based): chr1:160,127,813, C>T. VCF-style: chr1-160127813-C-T. GRCh37 (hg19) VCF-style: chr1-160097603-C-T.
Other names: short protein forms T337I.
Identifiers: ClinVar variation 2431572 (VCV002431572.2), dbSNP rs2524865673, ClinGen allele CA343238870.